The following is an entry in ClinVar:

ClinVar aggregate classification (germline): Uncertain significance (1 of 4 stars; one submission).

Conditions:
Severe X-linked myotubular myopathy (CNMX). Also called: X-linked centronuclear myopathy; MYOTUBULAR MYOPATHY 1; Myotubular myopathy, X-linked. Identifiers: Orphanet 596, MedGen C0410203, MONDO:0010683, OMIM 310400.

gnomAD v4.1: 3 of 1,211,054 alleles (0.00025%); no homozygotes.

Submission:

Labcorp Genetics (formerly Invitae), Labcorp
Classification: Uncertain significance for Severe X-linked myotubular myopathy. Last evaluated: 2025-07-20. Review status: criteria provided, single submitter. Criteria: Invitae Variant Classification Sherloc (09022015). Collection method: clinical testing. Allele origin: germline.
Comment: This sequence change replaces glutamic acid, which is acidic and polar, with lysine, which is basic and polar, at codon 566 of the MTM1 protein (p.Glu566Lys). This variant is present in population databases (no rsID available, gnomAD 0.005%). This variant has not been reported in the literature in individuals affected with MTM1-related conditions. Invitae Evidence Modeling of protein sequence and biophysical properties (such as structural, functional, and spatial information, amino acid conservation, physicochemical variation, residue mobility, and thermodynamic stability) indicates that this missense variant is not expected to disrupt MTM1 protein function with a negative predictive value of 80%. In summary, the available evidence is currently insufficient to determine the role of this variant in disease. Therefore, it has been classified as a Variant of Uncertain Significance.

NM_000252.3(MTM1):c.1696G>A (p.Glu566Lys)

Gene: MTM1 (myotubularin 1; plus strand). Cytogenetic location: Xq28.
Variant type: single nucleotide variant.
Coding change: c.1696G>A on transcript NM_000252.3 (MANE Select); coding-DNA position 1696, G replaced by A.
Protein change: p.Glu566Lys; replaces glutamic acid 566 with lysine.
Molecular consequence: missense variant.
Genome position (GRCh38, 1-based): chrX:150,671,479, G>A. VCF-style: chrX-150671479-G-A. GRCh37 (hg19) VCF-style: chrX-149839952-G-A.
Other names: c.1585G>A, p.Glu529Lys (NM_001376907.1); c.1696G>A, p.Glu566Lys (NM_001376908.1); c.1693G>A, p.Glu565Lys (NM_001376906.1); short protein forms E529K, E565K, E566K.
Identifiers: ClinVar variation 4811224 (VCV004811224.1).